The following is an entry in ClinVar:

ClinVar aggregate classification (germline): Likely pathogenic. Review status: criteria provided, multiple submitters, no conflicts (2 of 4 stars). 2 submissions from 2 submitters: Likely pathogenic (2). Last evaluated 2024-06-18.

Conditions:
Cardioencephalomyopathy, fatal infantile, due to cytochrome c oxidase deficiency 2 (MC4DN6). Also called: MITOCHONDRIAL COMPLEX IV DEFICIENCY, NUCLEAR TYPE 6. Identifiers: Orphanet 1561, MedGen C3554534, MONDO:0014051, OMIM 615119.

gnomAD v4.1: 1 of 1,613,698 alleles (0.000062%); highest among the groups gnomAD compares: Admixed American, 0.0017%; no homozygotes.

Submissions (2):

Fulgent Genetics
Classification: Likely pathogenic for Cardioencephalomyopathy, fatal infantile, due to cytochrome c oxidase deficiency 2. Last evaluated: 2024-06-18. Review status: criteria provided, single submitter. Criteria: ACMG Guidelines, 2015. Collection method: clinical testing. Allele origin: germline.

Labcorp Genetics (formerly Invitae), Labcorp
Classification: Likely pathogenic. Last evaluated: 2022-09-29. Review status: criteria provided, single submitter. Criteria: Invitae Variant Classification Sherloc (09022015). Collection method: clinical testing. Allele origin: germline.
Comment: In summary, the currently available evidence indicates that the variant is pathogenic, but additional data are needed to prove that conclusively. Therefore, this variant has been classified as Likely Pathogenic. Algorithms developed to predict the effect of sequence changes on RNA splicing suggest that this variant may disrupt the consensus splice site. This variant has not been reported in the literature in individuals affected with COX15-related conditions. This variant is not present in population databases (gnomAD no frequency). This sequence change affects a donor splice site in intron 5 of the COX15 gene. It is expected to disrupt RNA splicing. Variants that disrupt the donor or acceptor splice site typically lead to a loss of protein function (PMID: 16199547), and loss-of-function variants in COX15 are known to be pathogenic (PMID: 15863660, 21412973).

Literature cited by the submitters: PubMed 16199547 (cited by Labcorp Genetics (formerly Invitae), Labcorp); PubMed 15863660 (cited by Labcorp Genetics (formerly Invitae), Labcorp); PubMed 21412973 (cited by Labcorp Genetics (formerly Invitae), Labcorp).

NM_078470.6(COX15):c.750+1G>T

Gene: COX15 (cytochrome c oxidase assembly factor COX15; minus strand). Cytogenetic location: 10q24.2.
Variant type: single nucleotide variant.
Coding change: c.750+1G>T on transcript NM_078470.6 (MANE Select); the canonical splice donor site of the intron after coding-DNA position 750, G replaced by T.
Molecular consequence: splice donor variant.
Genome position (GRCh38, 1-based): chr10:99,723,955, C>A on the plus strand (G>T on the coding strand, the complement: COX15 is on the minus strand). VCF-style: chr10-99723955-C-A. GRCh37 (hg19) VCF-style: chr10-101483712-C-A.
Other names: c.750+1G>T (NM_001320974.2, NM_001372026.1, NM_001372028.1 and 5 more transcripts); c.213+1G>T (NM_001320976.2).
Identifiers: ClinVar variation 2000035 (VCV002000035.5), dbSNP rs2036859860, ClinGen allele CA378103253.